The following is an entry in ClinVar:

NM_001077620.3(PRCD):c.102_111dup (p.Ser38Ter)

Genes: CYGB (cytoglobin; minus strand), PRCD (photoreceptor disc component; plus strand). Cytogenetic location: 17q25.1.
Variant type: Duplication.
Coding change: c.102_111dup on transcript NM_001077620.3 (MANE Select); coding-DNA positions 102 to 111, 10 bases duplicated (TAGGGGCAGC; older notation c.102_111dupTAGGGGCAGC).
Protein change: p.Ser38Ter; replaces serine 38 with a stop codon.
Molecular consequence: nonsense. On other transcripts: non-coding transcript variant (1).
Genome position (GRCh38, 1-based): chr17:76,540,532-76,540,541, TAGGGGCAGC duplicated; duplicating any 10 consecutive bases within chr17:76,540,524-76,540,541 gives the same sequence; the c. name uses the placement nearest the transcript's 3' end. VCF-style (leftmost placement, unchanged base first): chr17-76540523-T-TGGGGCAGCTA. GRCh37 (hg19) VCF-style: chr17-74536605-T-TGGGGCAGCTA.
Other names: NC_000017.10:g.74536614_74536623dup; NP_001071088.1:p.(Ser38Ter); c.93_94insGGGGCAGCTA (NM_001077620.3); short protein forms S38*.
Identifiers: ClinVar variation 1929516 (VCV001929516.7), dbSNP rs1009828411, ClinGen allele CA986412903.

ClinVar aggregate classification (germline): Likely pathogenic. Review status: criteria provided, multiple submitters, no conflicts (2 of 4 stars). 3 submissions from 3 submitters: Likely pathogenic (2). 1 of the submissions does not count toward it. Last evaluated 2025-09-27.

Conditions:
Retinitis pigmentosa (RP). Identifiers: Orphanet 791, MedGen C0035334, MeSH D012174, MONDO:0019200, OMIM 268000. Inheritance: Autosomal dominant, autosomal recessive and X linked inheritance.

Submissions (3):

Labcorp Genetics (formerly Invitae), Labcorp
Classification: Likely pathogenic. Last evaluated: 2025-09-27. Review status: criteria provided, single submitter. Criteria: Invitae Variant Classification Sherloc (09022015). Collection method: clinical testing. Allele origin: germline.
Comment: This sequence change creates a premature translational stop signal (p.Ser38*) in the PRCD gene. However, it is currently unclear if variants that occur in this region of the gene cause disease. This variant is not present in population databases (gnomAD no frequency). This premature translational stop signal has been observed in individuals with retinitis pigmentosa (PMID: 32036094, 36460718, 36909829; internal data). ClinVar contains an entry for this variant (Variation ID: 1929516). In summary, the currently available evidence indicates that the variant is pathogenic, but additional data are needed to prove that conclusively. Therefore, this variant has been classified as Likely Pathogenic.

Ophthalmic Genetics Group, Institute of Molecular and Clinical Ophthalmology Basel
Classification: Likely pathogenic for Retinitis pigmentosa. Last evaluated: 2023-07-24. Review status: criteria provided, single submitter. Criteria: ACMG Guidelines, 2015. Collection method: research. Allele origin: germline. Affected: yes. Observed: 1 variant allele.
Comment: Clinical significance based on ACMG v2.0

This variant was classified as Likely pathogenic based on ACMG criteria: PVS1, PM2.

Gen-Eye Clinic, Grow Research Laboratory, Narayana Nethralaya
Classification: Pathogenic for Retinitis pigmentosa. Last evaluated: 2021-10-28. Review status: no assertion criteria provided. Collection method: clinical testing. Allele origin: germline. Affected: yes. Not counted in ClinVar's aggregate classification.

Literature cited by the submitters: PubMed 32036094 (cited by Labcorp Genetics (formerly Invitae), Labcorp); PubMed 36460718 (cited by Labcorp Genetics (formerly Invitae), Labcorp); PubMed 36909829 (cited by Labcorp Genetics (formerly Invitae), Labcorp and Ophthalmic Genetics Group, Institute of Molecular and Clinical Ophthalmology Basel).